The following is an entry in ClinVar:

ClinVar aggregate classification (germline): Uncertain significance (1 of 4 stars; one submission).

Conditions:
Osteogenesis imperfecta type I (OI1). Also called: Lobstein disease; OI, TYPE I; OSTEOGENESIS IMPERFECTA TARDA; OSTEOGENESIS IMPERFECTA WITH BLUE SCLERAE; Osteogenesis imperfecta type 1; Lobstein's Disease. Identifiers: Orphanet 216796, Orphanet 666, MedGen C0023931, MONDO:0008146, OMIM 166200. Disease mechanism: loss of function.
Ehlers-Danlos syndrome, classic type, 1 (EDSCL1). Also called: EDS I; EHLERS-DANLOS SYNDROME, GRAVIS TYPE; EHLERS-DANLOS SYNDROME, SEVERE CLASSIC TYPE; Ehlers-Danlos syndrome, type 1; Ehlers-Danlos Syndrome, Classic Type, COL5A1-Related. Identifiers: MedGen C0268335, MONDO:0019567, OMIM 130000.

Allele frequency attached by ClinVar (database versions not stated): gnomAD exomes below 0.00001.
gnomAD v4.1: 1 of 1,614,040 alleles (0.000062%); highest among the groups gnomAD compares: Admixed American, 0.0017%; no homozygotes.

Submission:

Labcorp Genetics (formerly Invitae), Labcorp
Classification: Uncertain significance for Osteogenesis imperfecta type I; Ehlers-Danlos syndrome, classic type, 1. Last evaluated: 2023-10-13. Review status: criteria provided, single submitter. Criteria: Invitae Variant Classification Sherloc (09022015). Collection method: clinical testing. Allele origin: germline.
Comment: This sequence change replaces alanine, which is neutral and non-polar, with threonine, which is neutral and polar, at codon 414 of the COL1A2 protein (p.Ala414Thr). This variant is not present in population databases (gnomAD no frequency). This variant has not been reported in the literature in individuals affected with COL1A2-related conditions. Advanced modeling of protein sequence and biophysical properties (such as structural, functional, and spatial information, amino acid conservation, physicochemical variation, residue mobility, and thermodynamic stability) performed at Invitae indicates that this missense variant is not expected to disrupt COL1A2 protein function. In summary, the available evidence is currently insufficient to determine the role of this variant in disease. Therefore, it has been classified as a Variant of Uncertain Significance.

NM_000089.4(COL1A2):c.1240G>A (p.Ala414Thr)

Gene: COL1A2 (collagen type I alpha 2 chain; plus strand). Cytogenetic location: 7q21.3.
Variant type: single nucleotide variant.
Coding change: c.1240G>A on transcript NM_000089.4 (MANE Select); coding-DNA position 1240, G replaced by A.
Protein change: p.Ala414Thr; replaces alanine 414 with threonine.
Molecular consequence: missense variant.
Genome position (GRCh38, 1-based): chr7:94,410,931, G>A. VCF-style: chr7-94410931-G-A. GRCh37 (hg19) VCF-style: chr7-94040243-G-A.
Other names: short protein forms A414T.
Identifiers: ClinVar variation 2936634 (VCV002936634.3), dbSNP rs2484710208, ClinGen allele CA368221444.